The following is an entry in ClinVar:

NM_133642.5(LARGE1):c.171del (p.Ser58fs)

Gene: LARGE1 (LARGE xylosyl- and glucuronyltransferase 1; minus strand). Cytogenetic location: 22q12.3.
Variant type: Deletion.
Coding change: c.171del on transcript NM_133642.5 (MANE Select); coding-DNA position 171, one base deleted (C; older notation c.171delC).
Protein change: p.Ser58fs; shifts the reading frame from serine 58.
Molecular consequence: frameshift variant.
Genome position (GRCh38, 1-based): chr22:33,650,604, G deleted on the plus strand (C on the coding strand, the reverse complement: LARGE1 is on the minus strand); the first of 2 consecutive G bases (chr22:33,650,604-33,650,605); deleting either gives the same sequence. VCF-style (leftmost placement, unchanged base first): chr22-33650603-TG-T. GRCh37 (hg19) VCF-style: chr22-34046589-TG-T.
Other names: c.171del, p.Ser58fs (NM_001362949.2, NM_001362951.2, NM_001362953.2 and 7 more transcripts); short protein forms S58fs.
Identifiers: ClinVar variation 2844016 (VCV002844016.3), dbSNP rs2519156797, ClinGen allele CA2739267923.

ClinVar aggregate classification (germline): Pathogenic (1 of 4 stars; one submission).

Conditions:
Muscular dystrophy-dystroglycanopathy type B6 (MDDGB6). Also called: MUSCULAR DYSTROPHY, CONGENITAL, LARGE-RELATED; MUSCULAR DYSTROPHY, CONGENITAL, TYPE 1D; MUSCULAR DYSTROPHY-DYSTROGLYCANOPATHY (CONGENITAL WITH IMPAIRED INTELLECTUAL DEVELOPMENT), TYPE B, 6. Identifiers: MedGen C1837229, MONDO:0012138, OMIM 608840.

Submission:

Labcorp Genetics (formerly Invitae), Labcorp
Classification: Pathogenic for Muscular dystrophy-dystroglycanopathy type B6. Last evaluated: 2024-01-10. Review status: criteria provided, single submitter. Criteria: Invitae Variant Classification Sherloc (09022015). Collection method: clinical testing. Allele origin: germline.
Comment: This sequence change creates a premature translational stop signal (p.Ser58Alafs*165) in the LARGE1 gene. It is expected to result in an absent or disrupted protein product. Loss-of-function variants in LARGE1 are known to be pathogenic (PMID: 12966029, 17878207). This variant is not present in population databases (gnomAD no frequency). This variant has not been reported in the literature in individuals affected with LARGE1-related conditions. For these reasons, this variant has been classified as Pathogenic.

Literature cited by the submitters: PubMed 12966029; PubMed 17878207.